The following is an entry in ClinVar:

ClinVar aggregate classification (germline): Uncertain significance. Review status: criteria provided, multiple submitters, no conflicts (2 of 4 stars). 2 submissions from 2 submitters: Uncertain significance (2). Last evaluated 2026-08-21.

Submissions (2):

GeneDx
Classification: Uncertain significance. Last evaluated: 2026-08-21. Review status: criteria provided, single submitter. Criteria: GeneDx Variant Classification Process June 2021. Collection method: clinical testing. Allele origin: germline.
Comment: Has not been previously published as pathogenic or benign to our knowledge; Not observed at significant frequency in large population cohorts (gnomAD); In silico analysis supports that this missense variant has a deleterious effect on protein structure/function

Labcorp Genetics (formerly Invitae), Labcorp
Classification: Uncertain significance. Last evaluated: 2023-03-22. Review status: criteria provided, single submitter. Criteria: Invitae Variant Classification Sherloc (09022015). Collection method: clinical testing. Allele origin: germline.
Comment: This sequence change replaces arginine, which is basic and polar, with leucine, which is neutral and non-polar, at codon 106 of the BGN protein (p.Arg106Leu). This variant is not present in population databases (gnomAD no frequency). This variant has not been reported in the literature in individuals affected with BGN-related conditions. Advanced modeling of protein sequence and biophysical properties (such as structural, functional, and spatial information, amino acid conservation, physicochemical variation, residue mobility, and thermodynamic stability) performed at Invitae indicates that this missense variant is not expected to disrupt BGN protein function. In summary, the available evidence is currently insufficient to determine the role of this variant in disease. Therefore, it has been classified as a Variant of Uncertain Significance.

NM_001711.6(BGN):c.317G>T (p.Arg106Leu)

Gene: BGN (biglycan; plus strand). Cytogenetic location: Xq28.
Variant type: single nucleotide variant.
Coding change: c.317G>T on transcript NM_001711.6 (MANE Select); coding-DNA position 317, G replaced by T.
Protein change: p.Arg106Leu; replaces arginine 106 with leucine.
Molecular consequence: missense variant.
Genome position (GRCh38, 1-based): chrX:153,505,316, G>T. VCF-style: chrX-153505316-G-T. GRCh37 (hg19) VCF-style: chrX-152770774-G-T.
Other names: c.317G>T (NM_001711.5); short protein forms R106L.
Identifiers: ClinVar variation 2986625 (VCV002986625.5), dbSNP rs1255628710, ClinGen allele CA415068861.